The following is an entry in ClinVar:

ClinVar aggregate classification (germline): Likely benign (1 of 4 stars; one submission).

Conditions:
Colorectal cancer, susceptibility to, 12 (CRCS12). Also called: COLORECTAL CANCER, SUSCEPTIBILITY TO, ON CHROMOSOME 12q24. Identifiers: Orphanet 220460, MedGen C3554460, MONDO:0014038, OMIM 615083.

gnomAD v4.1: 1 of 1,612,840 alleles (0.000062%); highest among the groups gnomAD compares: East Asian, 0.0022%; no homozygotes.

Submission:

Myriad Genetics, Inc.
Classification: Likely benign for Colorectal cancer, susceptibility to, 12. Last evaluated: 2025-02-10. Review status: criteria provided, single submitter. Criteria: Myriad Autosomal Dominant, Autosomal Recessive and X-Linked Classification Criteria (2023). Collection method: clinical testing. Allele origin: unknown.
Comment: This variant is considered likely benign. This variant is intronic and is not expected to impact mRNA splicing.

NM_006231.4(POLE):c.1227-16C>T

Gene: POLE (DNA polymerase epsilon, catalytic subunit; minus strand). Cytogenetic location: 12q24.33.
Variant type: single nucleotide variant.
Coding change: c.1227-16C>T on transcript NM_006231.4 (MANE Select); 16 bases into the intron before coding-DNA position 1227, C replaced by T.
Molecular consequence: intron variant.
Genome position (GRCh38, 1-based): chr12:132,673,723, G>A on the plus strand (C>T on the coding strand, the complement: POLE is on the minus strand). VCF-style: chr12-132673723-G-A. GRCh37 (hg19) VCF-style: chr12-133250309-G-A.
Identifiers: ClinVar variation 3904270 (VCV003904270.1).